The following is an entry in ClinVar:

NM_002528.7(NTHL1):c.52G>T (p.Gly18Trp)

Gene: NTHL1 (nth like DNA glycosylase 1; minus strand). Cytogenetic location: 16p13.3.
Variant type: single nucleotide variant.
Coding change: c.52G>T on transcript NM_002528.7 (MANE Select); coding-DNA position 52, G replaced by T.
Protein change: p.Gly18Trp; replaces glycine 18 with tryptophan.
Molecular consequence: missense variant. On other transcripts: 5 prime UTR variant (1).
Genome position (GRCh38, 1-based): chr16:2,047,772, C>A on the plus strand (G>T on the coding strand, the complement: NTHL1 is on the minus strand). VCF-style: chr16-2047772-C-A. GRCh37 (hg19) VCF-style: chr16-2097773-C-A.
Other names: c.76G>T (NM_002528.5); c.52G>T, p.Gly18Trp (NM_001318193.2); c.-127G>T (NM_001318194.2); short protein forms G18W.
Identifiers: ClinVar variation 1522919 (VCV001522919.7), dbSNP rs1456331577, ClinGen allele CA394298486.
Genomic context (GRCh38, chr16:2,047,772, plus strand): 5'-CTGCAGCCTCTCTTCTCCGGAGAGGCCCGGGCTCCTCCCTACACCCCCGCGGCCCAGCCC[C>A]GGGTCCCAGGCTCCGGCTCCGGGTCAGCATCCTCGCGCTCAAGGCGGTCATGCCGGACTC-3'
Protein context (NP_002519.2, residues 8-28): MLTRSRSLGP[Gly18Trp]AGPRGCREEP

ClinVar aggregate classification (germline): Uncertain significance. Review status: criteria provided, multiple submitters, no conflicts (2 of 4 stars). 2 submissions from 2 submitters: Uncertain significance (2). Last evaluated 2025-03-17.

Conditions:
Hereditary cancer-predisposing syndrome. Also called: Hereditary neoplastic syndrome; Hereditary Cancer Syndrome; Tumor predisposition; Neoplastic Syndromes, Hereditary. Identifiers: Orphanet 140162, MedGen C0027672, MeSH D009386, MONDO:0015356.

Submissions (2):

Ambry Genetics
Classification: Uncertain significance for Hereditary cancer-predisposing syndrome. Last evaluated: 2025-03-17. Review status: criteria provided, single submitter. Criteria: Ambry Variant Classification Scheme 2023. Collection method: clinical testing. Allele origin: germline.
Comment: The p.G26W variant (also known as c.76G>T), located in coding exon 1 of the NTHL1 gene, results from a G to T substitution at nucleotide position 76. The glycine at codon 26 is replaced by tryptophan, an amino acid with highly dissimilar properties. This amino acid position is conserved. In addition, this alteration is predicted to be tolerated by in silico analysis. Based on the available evidence, the clinical significance of this variant remains unclear.

Labcorp Genetics (formerly Invitae), Labcorp
Classification: Uncertain significance. Last evaluated: 2021-04-04. Review status: criteria provided, single submitter. Criteria: Invitae Variant Classification Sherloc (09022015). Collection method: clinical testing. Allele origin: germline.
Comment: This variant is not present in population databases (ExAC no frequency). This variant has not been reported in the literature in individuals with NTHL1-related conditions. Algorithms developed to predict the effect of missense changes on protein structure and function are either unavailable or do not agree on the potential impact of this missense change (SIFT: "Not Available"; PolyPhen-2: "Possibly Damaging"; Align-GVGD: "Not Available"). In summary, the available evidence is currently insufficient to determine the role of this variant in disease. Therefore, it has been classified as a Variant of Uncertain Significance. This sequence change replaces glycine with tryptophan at codon 26 of the NTHL1 protein (p.Gly26Trp). The glycine residue is weakly conserved and there is a large physicochemical difference between glycine and tryptophan.